The following is an entry in ClinVar:

NM_004415.4(DSP):c.5389dup (p.Arg1797fs)

Gene: DSP (desmoplakin; plus strand). Cytogenetic location: 6p24.3.
Variant type: Duplication.
Coding change: c.5389dup on transcript NM_004415.4 (MANE Select); coding-DNA position 5389, one base duplicated (A; older notation c.5389dupA).
Protein change: p.Arg1797fs; shifts the reading frame from arginine 1797.
Molecular consequence: frameshift variant.
Genome position (GRCh38, 1-based): chr6:7,582,651, A duplicated. VCF-style (leftmost placement, unchanged base first): chr6-7582650-T-TA. GRCh37 (hg19) VCF-style: chr6-7582883-T-TA.
Other names: c.3592dup, p.Arg1198fs (NM_001008844.3); c.4060dup, p.Arg1354fs (NM_001319034.2); short protein forms R1797fs, R1198fs, R1354fs.
Identifiers: ClinVar variation 935697 (VCV000935697.10), dbSNP rs1759475221, ClinGen allele CA1139659415.

ClinVar aggregate classification (germline): Pathogenic (1 of 4 stars; one submission).

Conditions:
Arrhythmogenic right ventricular dysplasia 8 (ARVD8). Also called: ARRHYTHMOGENIC RIGHT VENTRICULAR DYSPLASIA, FAMILIAL, 8; ARRHYTHMOGENIC RIGHT VENTRICULAR CARDIOMYOPATHY 8; Arrhythmogenic Right Ventricular Dysplasia/Cardiomyopathy 8. Identifiers: MedGen C1843896, MONDO:0011831, OMIM 607450.
Arrhythmogenic cardiomyopathy with wooly hair and keratoderma. Also called: Carvajal syndrome; Dilated cardiomyopathy with woolly hair and keratoderma; PALMOPLANTAR KERATODERMA WITH LEFT VENTRICULAR CARDIOMYOPATHY AND WOOLLY HAIR; Arrhythmogenic cardiomyopathy with woolly hair and keratoderma. Identifiers: Orphanet 65282, MedGen C1854063, MONDO:0011581, OMIM 605676.

Submission:

Labcorp Genetics (formerly Invitae), Labcorp
Classification: Pathogenic for Arrhythmogenic cardiomyopathy with wooly hair and keratoderma; Arrhythmogenic right ventricular dysplasia 8. Last evaluated: 2024-06-30. Review status: criteria provided, single submitter. Criteria: Invitae Variant Classification Sherloc (09022015). Collection method: clinical testing. Allele origin: germline.
Comment: This sequence change creates a premature translational stop signal (p.Arg1797Lysfs*39) in the DSP gene. While this is not anticipated to result in nonsense mediated decay, it is expected to disrupt the last 1075 amino acid(s) of the DSP protein. This variant is not present in population databases (gnomAD no frequency). This variant has not been reported in the literature in individuals affected with DSP-related conditions. ClinVar contains an entry for this variant (Variation ID: 935697). This variant disrupts a region of the DSP protein in which other variant(s) (p.Arg2725Alafs*21, p.Thr2625Argfs*18, p.Pro2719Argfs*27, p.Lys2542Serfs*19) have been determined to be pathogenic (PMID: 11063735, 27698334; Invitae). This suggests that this is a clinically significant region of the protein, and that variants that disrupt it are likely to be disease-causing. For these reasons, this variant has been classified as Pathogenic.

Literature cited by the submitters: PubMed 11063735; PubMed 27698334.